The following is an entry in ClinVar:

NM_005902.4(SMAD3):c.380A>G (p.Tyr127Cys)

Gene: SMAD3 (SMAD family member 3; plus strand). Cytogenetic location: 15q22.33.
Variant type: single nucleotide variant.
Coding change: c.380A>G on transcript NM_005902.4 (MANE Select); coding-DNA position 380, A replaced by G.
Protein change: p.Tyr127Cys; replaces tyrosine 127 with cysteine.
Molecular consequence: missense variant.
Genome position (GRCh38, 1-based): chr15:67,165,068, A>G. VCF-style: chr15-67165068-A-G. GRCh37 (hg19) VCF-style: chr15-67457406-A-G.
Other names: c.65A>G, p.Tyr22Cys (NM_001145102.2, NM_001407015.1, NM_001407016.1); c.248A>G, p.Tyr83Cys (NM_001145103.2); c.380A>G, p.Tyr127Cys (NM_001407011.1, NM_001407012.1, NM_001407013.1); c.233A>G, p.Tyr78Cys (NM_001407014.1); short protein forms Y127C, Y22C, Y78C, Y83C.
Identifiers: ClinVar variation 3074755 (VCV003074755.1), dbSNP rs2505211009, ClinGen allele CA392954171.

ClinVar aggregate classification (germline): Uncertain significance (1 of 4 stars; one submission).

Conditions:
Aneurysm-osteoarthritis syndrome. Also called: SMAD3-Related Loeys-Dietz Syndrome; ANEURYSMS-OSTEOARTHRITIS SYNDROME; Loeys-Dietz syndrome, type 1C; LOEYS-DIETZ SYNDROME WITH OSTEOARTHRITIS. Identifiers: Orphanet 284984, MedGen C3151087, MONDO:0013426, OMIM 613795.

Submission:

All of Us Research Program, National Institutes of Health
Classification: Uncertain significance for Aneurysm-osteoarthritis syndrome. Last evaluated: 2023-12-13. Review status: criteria provided, single submitter. Criteria: ACMG Guidelines, 2015. Collection method: clinical testing. Allele origin: germline. Inheritance: Autosomal dominant inheritance. Observed: 1 variant allele, 1 heterozygote.
Comment: This missense variant replaces tyrosine with cysteine at codon 127 of the SMAD3 protein. Computational prediction suggests that this variant may have deleterious impact on protein structure and function (internally defined REVEL score threshold >= 0.7, PMID: 27666373). To our knowledge, functional studies have not been reported for this variant. This variant has not been reported in individuals affected with SMAD3-related disorders in the literature. This variant has not been identified in the general population by the Genome Aggregation Database (gnomAD). The available evidence is insufficient to determine the role of this variant in disease conclusively. Therefore, this variant is classified as a Variant of Uncertain Significance.

This study involves interpretation of variants in research participants for the purpose of population health screening. Participant phenotype was not available at the time of variant classification. Additional details can be found in publication PMID: 35346344, PMCID: PMC8962531